The following is an entry in ClinVar:

ClinVar aggregate classification (germline): Uncertain significance (1 of 4 stars; one submission).

Conditions:
Tuberous sclerosis 2 (TSC2). Identifiers: Orphanet 805, MedGen C1860707, MONDO:0013199, OMIM 613254.

Submission:

Labcorp Genetics (formerly Invitae), Labcorp
Classification: Uncertain significance for Tuberous sclerosis 2. Last evaluated: 2026-01-13. Review status: criteria provided, single submitter. Criteria: Invitae Variant Classification Sherloc (09022015). Collection method: clinical testing. Allele origin: germline.
Comment: This variant, c.600_601delinsCT, is a complex sequence change that results in the deletion of 2 and insertion of 2 amino acid(s) in the TSC2 protein (p.Gln200_Met201delinsHisLeu). Information on the frequency of this variant in the gnomAD database is not available, as this variant may be reported differently in the database. This variant has not been reported in the literature in individuals affected with TSC2-related conditions. Experimental studies and prediction algorithms are not available or were not evaluated, and the functional significance of this variant is currently unknown. In summary, the available evidence is currently insufficient to determine the role of this variant in disease. Therefore, it has been classified as a Variant of Uncertain Significance.

NM_000548.5(TSC2):c.600_601delinsCT (p.Gln200_Met201delinsHisLeu)

Gene: TSC2 (TSC complex subunit 2; plus strand). Cytogenetic location: 16p13.3.
Variant type: Indel.
Coding change: c.600_601delinsCT on transcript NM_000548.5 (MANE Select); coding-DNA positions 600 to 601, GA replaced by CT.
Protein change: p.Gln200_Met201delinsHisLeu.
Molecular consequence: missense variant. On other transcripts: initiator codon variant (9), 5 prime UTR variant (10), non-coding transcript variant (5).
Genome position (GRCh38, 1-based): chr16:2,056,196-2,056,197, GA replaced by CT. VCF-style: chr16-2056196-GA-CT. GRCh37 (hg19) VCF-style: chr16-2106197-GA-CT.
Other names: c.600_601delinsCT, p.Gln200_Met201delinsHisLeu (NM_001077183.3, NM_001114382.3, NM_001363528.2 and 8 more transcripts); c.489_490delinsCT, p.Gln163_Met164delinsHisLeu (NM_001318827.2, NM_001406670.1, NM_001406678.1); c.453_454delinsCT, p.Gln151_Met152delinsHisLeu (NM_001318829.2, NM_001406675.1, NM_001406676.1 and 1 more transcripts); c.-1_1delinsCT, p.Met1Leu (NM_001318831.2, NM_001406680.1, NM_001406682.1 and 6 more transcripts); c.633_634delinsCT, p.Gln211_Met212delinsHisLeu (NM_001318832.2); c.690_691delinsCT, p.Gln230_Met231delinsHisLeu (NM_001406667.1, NM_001406668.1); c.543_544delinsCT, p.Gln181_Met182delinsHisLeu (NM_001406677.1); c.138_139delinsCT, p.Gln46_Met47delinsHisLeu (NM_001406681.1); and 4 more; short protein forms M1L.
Identifiers: ClinVar variation 4807836 (VCV004807836.1).